The following is an entry in ClinVar:

NM_201253.3(CRB1):c.3856C>T (p.Arg1286Trp)

Gene: CRB1 (crumbs cell polarity complex component 1; plus strand). Cytogenetic location: 1q31.3.
Variant type: single nucleotide variant.
Coding change: c.3856C>T on transcript NM_201253.3 (MANE Select); coding-DNA position 3856, C replaced by T.
Protein change: p.Arg1286Trp; replaces arginine 1286 with tryptophan.
Molecular consequence: missense variant. On other transcripts: non-coding transcript variant (2).
Genome position (GRCh38, 1-based): chr1:197,438,653, C>T. VCF-style: chr1-197438653-C-T. GRCh37 (hg19) VCF-style: chr1-197407783-C-T.
Other names: c.3520C>T, p.Arg1174Trp (NM_001193640.2); c.3784C>T, p.Arg1262Trp (NM_001257965.2); c.2248C>T, p.Arg750Trp (NM_001257966.2); c.3856C>T (NM_201253.2); short protein forms R1262W, R1174W, R750W, R1286W.
Identifiers: ClinVar variation 1039526 (VCV001039526.10), dbSNP rs754054234, ClinGen allele CA1312413.
Genomic context (GRCh38, chr1:197,438,653, plus strand): 5'-CTCACTTGCTACAATGGAGGCAACTGCACAGAGTTCCAGACTGAATTAAAATGTATGTGC[C>T]GGCCAGGTTTTACTGGAGAATGGTGAGTCACATTAGAGCCTTCTGGAAGAGAATTCTGAG-3'
Protein context (NP_957705.1, residues 1276-1296): EFQTELKCMC[Arg1286Trp]PGFTGEWCEK

ClinVar aggregate classification (germline): Uncertain significance. Review status: criteria provided, multiple submitters, no conflicts (2 of 4 stars). 5 submissions from 5 submitters: Uncertain significance (4). 1 of the submissions does not count toward it. Last evaluated 2026-04-23.

Conditions:
Inborn genetic diseases. Identifiers: MedGen C0950123, MeSH D030342.
CRB1-related disorder. Also called: CRB1-related disorders; CRB1-related condition.
Leber congenital amaurosis (LCA). Also called: Leber's amaurosis. Identifiers: Orphanet 65, MedGen C0339527, MeSH D057130, MONDO:0018998.
Leber congenital amaurosis 8 (LCA8). Identifiers: Orphanet 65, MedGen C3151202, MONDO:0013453, OMIM 613835.
Retinitis pigmentosa 12 (RP12). Also called: RP WITH OR WITHOUT PPRPE; RP WITH OR WITHOUT PRESERVED PARAARTERIOLE RETINAL PIGMENT EPITHELIUM; RETINITIS PIGMENTOSA WITH OR WITHOUT PARAARTERIOLAR PRESERVATION OF RETINAL PIGMENT EPITHELIUM. Identifiers: Orphanet 791, MedGen C1838647, MONDO:0010818, OMIM 600105.

Allele frequency attached by ClinVar (database versions not stated): gnomAD 0.00003; gnomAD exomes 0.00003 and 0.00004; TOPMed 0.00003; ExAC 0.00004.
gnomAD v4.1: 56 of 1,612,126 alleles (0.0035%); highest among the groups gnomAD compares: Non-Finnish European, 0.0045%; no homozygotes.

Submissions (5):

PreventionGenetics, part of Exact Sciences
Classification: Uncertain significance for CRB1-related condition. Last evaluated: 2026-04-23. Review status: criteria provided, single submitter. Criteria: ACMG Guidelines, 2015. Collection method: clinical testing. Allele origin: germline.
Comment: The CRB1 c.3856C>T variant is predicted to result in the amino acid substitution p.Arg1286Trp. To our knowledge, this variant has not been reported in the literature. This variant is present in 0.0062% of alleles in individuals of European (Non-Finnish) descent in gnomAD. At this time, the clinical significance of this variant is uncertain due to the absence of conclusive functional and genetic evidence.

Labcorp Genetics (formerly Invitae), Labcorp
Classification: Uncertain significance for Leber congenital amaurosis 8; Retinitis pigmentosa 12. Last evaluated: 2025-01-13. Review status: criteria provided, single submitter. Criteria: Invitae Variant Classification Sherloc (09022015). Collection method: clinical testing. Allele origin: germline.
Comment: This sequence change replaces arginine, which is basic and polar, with tryptophan, which is neutral and slightly polar, at codon 1286 of the CRB1 protein (p.Arg1286Trp). This variant is present in population databases (rs754054234, gnomAD 0.006%). This variant has not been reported in the literature in individuals affected with CRB1-related conditions. ClinVar contains an entry for this variant (Variation ID: 1039526). Invitae Evidence Modeling of protein sequence and biophysical properties (such as structural, functional, and spatial information, amino acid conservation, physicochemical variation, residue mobility, and thermodynamic stability) indicates that this missense variant is not expected to disrupt CRB1 protein function with a negative predictive value of 80%. In summary, the available evidence is currently insufficient to determine the role of this variant in disease. Therefore, it has been classified as a Variant of Uncertain Significance.

Ambry Genetics
Classification: Uncertain significance for Inborn genetic diseases. Last evaluated: 2024-05-24. Review status: criteria provided, single submitter. Criteria: Ambry Variant Classification Scheme 2023. Collection method: clinical testing. Allele origin: germline.

Blueprint Genetics
Classification: Uncertain significance. Last evaluated: 2023-07-07. Review status: criteria provided, single submitter. Criteria: ACMG Guidelines, 2015. Collection method: clinical testing. Allele origin: germline.

Natera, Inc.
Classification: Uncertain significance for Leber congenital amaurosis. Last evaluated: 2020-12-22. Review status: no assertion criteria provided. Collection method: clinical testing. Allele origin: germline. Not counted in ClinVar's aggregate classification.